The following is an entry in ClinVar:

NM_005334.3(HCFC1):c.3117A>G (p.Gly1039=)

Gene: HCFC1 (host cell factor C1; minus strand). Cytogenetic location: Xq28.
Variant type: single nucleotide variant.
Coding change: c.3117A>G on transcript NM_005334.3 (MANE Select); coding-DNA position 3117, A replaced by G.
Protein change: p.Gly1039=; no amino-acid change (glycine 1039 retained).
Molecular consequence: synonymous variant.
Genome position (GRCh38, 1-based): chrX:153,955,282, T>C on the plus strand (A>G on the coding strand, the complement: HCFC1 is on the minus strand). VCF-style: chrX-153955282-T-C. GRCh37 (hg19) VCF-style: chrX-153220733-T-C.
Identifiers: ClinVar variation 507803 (VCV000507803.10), dbSNP rs200145247, ClinGen allele CA10557237.

ClinVar aggregate classification (germline): Likely benign. Review status: criteria provided, multiple submitters, no conflicts (2 of 4 stars). 2 submissions from 2 submitters: Likely benign (2). Last evaluated 2025-02-02.

Conditions:
Methylmalonic acidemia with homocystinuria, type cblX (MAHCX). Also called: INTELLECTUAL DEVELOPMENTAL DISORDER, X-LINKED 3. Identifiers: Orphanet 369962, MedGen C0796208, MONDO:0010657, OMIM 309541.

Allele frequency attached by ClinVar (database versions not stated): TOPMed 0.00023; 1000 Genomes Project 0.00053; gnomAD exomes 0.00007 and 0.00003; gnomAD 0.00029 and 0.00030; ExAC 0.00007; 1000 Genomes Project 30x 0.00062.
gnomAD v4.1: 59 of 1,203,460 alleles (0.0049%); highest among the groups gnomAD compares: African/African-American, 0.095%; no homozygotes.

Submissions (2):

Labcorp Genetics (formerly Invitae), Labcorp
Classification: Likely benign for Methylmalonic acidemia with homocystinuria, type cblX. Last evaluated: 2025-02-02. Review status: criteria provided, single submitter. Criteria: Invitae Variant Classification Sherloc (09022015). Collection method: clinical testing. Allele origin: germline.

GeneDx
Classification: Likely benign. Last evaluated: 2017-03-08. Review status: criteria provided, single submitter. Criteria: GeneDx Variant Classification (06012015). Collection method: clinical testing. Allele origin: germline. Affected: yes.
Comment: This variant is considered likely benign or benign based on one or more of the following criteria: it is a conservative change, it occurs at a poorly conserved position in the protein, it is predicted to be benign by multiple in silico algorithms, and/or has population frequency not consistent with disease.